The following is an entry in ClinVar:

NM_002971.6(SATB1):c.400G>A (p.Val134Ile)

Gene: SATB1 (SATB homeobox 1; minus strand). Cytogenetic location: 3p24.3.
Variant type: single nucleotide variant.
Coding change: c.400G>A on transcript NM_002971.6 (MANE Select); coding-DNA position 400, G replaced by A.
Protein change: p.Val134Ile; replaces valine 134 with isoleucine.
Molecular consequence: missense variant.
Genome position (GRCh38, 1-based): chr3:18,416,122, C>T on the plus strand (G>A on the coding strand, the complement: SATB1 is on the minus strand). VCF-style: chr3-18416122-C-T. GRCh37 (hg19) VCF-style: chr3-18457614-C-T.
Other names: c.400G>A, p.Val134Ile (NM_001131010.4, NM_001195470.3, NM_001322871.2 and 4 more transcripts); c.184G>A, p.Val62Ile (NM_001322876.2); short protein forms V134I, V62I.
Identifiers: ClinVar variation 4071594 (VCV004071594.1).
Genomic context (GRCh38, chr3:18,416,122, plus strand): 5'-CTACTGTAGCATCAGGGGCATCTGTCACGTAAGACAGTGGAACTGGATTCCACTTTCCAA[C>T]CTGGATTAGCCCTATTTCAGATAAAGAGAATATGTCACTAAATATTTTACCCTCAGATAA-3'
Protein context (NP_002962.1, residues 124-144): SAAQAKGLIQ[Val134Ile]GKWNPVPLSY

ClinVar aggregate classification (germline): Uncertain significance (1 of 4 stars; one submission).

gnomAD v4.1: 1 of 1,607,164 alleles (0.000062%); highest among the groups gnomAD compares: African/African-American, 0.0013%; no homozygotes.

Submission:

GeneDx
Classification: Uncertain significance. Last evaluated: 2025-01-26. Review status: criteria provided, single submitter. Criteria: GeneDx Variant Classification Process June 2021. Collection method: clinical testing. Allele origin: germline. Affected: yes.
Comment: Not observed at significant frequency in large population cohorts (gnomAD); In silico analysis indicates that this missense variant does not alter protein structure/function; Has not been previously published as pathogenic or benign to our knowledge